The following is an entry in ClinVar:

NM_001165963.4(SCN1A):c.3371_3372del (p.Asp1123_Phe1124insTer)

Genes: SCN1A (sodium voltage-gated channel alpha subunit 1; minus strand), LOC102724058 (uncharacterized LOC102724058; plus strand). Cytogenetic location: 2q24.3.
Variant type: Deletion.
Coding change: c.3371_3372del on transcript NM_001165963.4 (MANE Select); coding-DNA positions 3371 to 3372, 2 bases deleted (TT; older notation c.3371_3372delTT).
Protein change: p.Asp1123_Phe1124insTer.
Molecular consequence: nonsense. On other transcripts: non-coding transcript variant (2).
Genome position (GRCh38, 1-based): chr2:166,036,105-166,036,106, AA deleted on the plus strand (TT on the coding strand, the reverse complement: SCN1A is on the minus strand); deleting any 2 consecutive bases within chr2:166,036,105-166,036,107 gives the same sequence; the c. name uses the placement nearest the transcript's 3' end. VCF-style (leftmost placement, unchanged base first): chr2-166036104-CAA-C. GRCh37 (hg19) VCF-style: chr2-166892614-CAA-C.
Other names: c.3287_3288del, p.Asp1095_Phe1096insTer (NM_001165964.3, NM_001353957.2, NM_001353958.2); c.3371_3372del, p.Asp1123_Phe1124insTer (NM_001202435.3, NM_001353948.2); c.3338_3339del, p.Asp1112_Phe1113insTer (NM_001353949.2, NM_001353950.2, NM_001353951.2 and 2 more transcripts); c.3335_3336del, p.Asp1111_Phe1112insTer (NM_001353954.2, NM_001353955.2); c.3284_3285del, p.Asp1094_Phe1095insTer (NM_001353960.2); c.929_930del, p.Asp309_Phe310insTer (NM_001353961.2); c.3371_3372del (NM_001165963.1).
Identifiers: ClinVar variation 429949 (VCV000429949.11), dbSNP rs1131691693, ClinGen allele CA645369272.
Genomic context (GRCh38, chr2:166,036,104, plus strand): 5'-TTACCTCTTTGCTTTCTTCCAGATCCGATTCACTACTAAAGTCTTCCGTGTTTAAATTTT[CAA>C]AGTCAGATTCTCCTACAGCAATTGGTACAGTCACAGTAAGACTGGGGTTGTTTATGAATG-3'

ClinVar aggregate classification (germline): Pathogenic. Review status: criteria provided, multiple submitters, no conflicts (2 of 4 stars). 3 submissions from 3 submitters: Pathogenic (3). Last evaluated 2019-08-10.

Conditions:
Severe myoclonic epilepsy in infancy (DRVT). Also called: Severe Myoclonic Epilepsy in Infancy (SMEI); Epileptic encephalopathy, early infantile, 6 (Dravet syndrome); SEVERE MYOCLONIC EPILEPSY OF INFANCY; DEVELOPMENTAL AND EPILEPTIC ENCEPHALOPATHY 6A; Dravet syndrome. Identifiers: Orphanet 33069, MedGen C0751122, MONDO:0100135, OMIM 607208.
Early-infantile DEE. Also called: Ohtahara syndrome; Early infantile epileptic encephalopathy with suppression bursts; Early infantile epileptic encephalopathy. Identifiers: Orphanet 1934, MedGen C0393706, MONDO:0800491.

Submissions (3):

Labcorp Genetics (formerly Invitae), Labcorp
Classification: Pathogenic for Early-infantile DEE. Last evaluated: 2019-08-10. Review status: criteria provided, single submitter. Criteria: Invitae Variant Classification Sherloc (09022015). Collection method: clinical testing. Allele origin: germline.
Comment: For these reasons, this variant has been classified as Pathogenic. Loss-of-function variants in SCN1A are known to be pathogenic (PMID: 17347258, 18930999). This variant has not been reported in the literature in individuals with SCN1A-related conditions. ClinVar contains an entry for this variant (Variation ID: 429949). This variant is not present in population databases (ExAC no frequency). This sequence change creates a premature translational stop signal (p.Phe1124*) in the SCN1A gene. It is expected to result in an absent or disrupted protein product.

GeneDx
Classification: Pathogenic. Last evaluated: 2017-05-16. Review status: criteria provided, single submitter. Criteria: GeneDx Variant Classification (06012015). Collection method: clinical testing. Allele origin: germline. Affected: yes.
Comment: The c.3371_3372delTT variant in the SCN1A gene has not been reported previously as a pathogenic variant nor as a benign variant, to our knowledge. This variant is predicted to cause loss of normal protein function either through protein truncation or nonsense-mediated mRNA decay. The c.3371_3372delTT variant is not observed in large population cohorts (Lek et al., 2016; 1000 Genomes Consortium et al., 2015; Exome Variant Server). We interpret c.3371_3372delTT as a pathogenic variant.

Clinical Genetics Service, Universitary Hospital 12 de Octubre
Classification: Pathogenic for Severe myoclonic epilepsy in infancy. Review status: criteria provided, single submitter. Criteria: ACMG Guidelines, 2015. Collection method: clinical testing. Allele origin: de novo. Affected: yes.

Literature cited by the submitters: PubMed 17347258 (cited by Labcorp Genetics (formerly Invitae), Labcorp); PubMed 18930999 (cited by Labcorp Genetics (formerly Invitae), Labcorp).